The following is an entry in ClinVar:

NM_000245.4(MET):c.480C>G (p.Cys160Trp)

Gene: MET (MET proto-oncogene, receptor tyrosine kinase; plus strand). Cytogenetic location: 7q31.2.
Variant type: single nucleotide variant.
Coding change: c.480C>G on transcript NM_000245.4 (MANE Select); coding-DNA position 480, C replaced by G.
Protein change: p.Cys160Trp; replaces cysteine 160 with tryptophan.
Molecular consequence: missense variant. On other transcripts: intron variant (1).
Genome position (GRCh38, 1-based): chr7:116,699,564, C>G. VCF-style: chr7-116699564-C-G. GRCh37 (hg19) VCF-style: chr7-116339618-C-G.
Other names: c.480C>G, p.Cys160Trp (NM_001127500.3, NM_001324401.3); c.-91+26987C>G (NM_001324402.2); short protein forms C160W.
Identifiers: ClinVar variation 3232999 (VCV003232999.1), dbSNP rs1294924754, ClinGen allele CA368969176.

ClinVar aggregate classification (germline): Uncertain significance (1 of 4 stars; one submission).

Conditions:
Hereditary cancer-predisposing syndrome. Also called: Neoplastic Syndromes, Hereditary; Tumor predisposition; Hereditary neoplastic syndrome; Hereditary Cancer Syndrome. Identifiers: Orphanet 140162, MedGen C0027672, MeSH D009386, MONDO:0015356.

gnomAD v4.1: 1 of 1,614,020 alleles (0.000062%); highest among the groups gnomAD compares: Non-Finnish European, 0.000085%; no homozygotes.

Submission:

Ambry Genetics
Classification: Uncertain significance for Hereditary cancer-predisposing syndrome. Last evaluated: 2023-10-03. Review status: criteria provided, single submitter. Criteria: Ambry Variant Classification Scheme 2023. Collection method: clinical testing. Allele origin: germline.
Comment: The p.C160W variant (also known as c.480C>G), located in coding exon 1 of the MET gene, results from a C to G substitution at nucleotide position 480. The cysteine at codon 160 is replaced by tryptophan, an amino acid with highly dissimilar properties. This amino acid position is highly conserved in available vertebrate species. In addition, the in silico prediction for this alteration is inconclusive. Since supporting evidence is limited at this time, the clinical significance of this alteration remains unclear.